The following is an entry in ClinVar:

ClinVar aggregate classification (germline): Uncertain significance (1 of 4 stars; one submission).

gnomAD v4.1: 1 of 1,613,878 alleles (0.000062%); highest among the groups gnomAD compares: Admixed American, 0.0017%; no homozygotes.

Submission:

Labcorp Genetics (formerly Invitae), Labcorp
Classification: Uncertain significance. Last evaluated: 2025-07-10. Review status: criteria provided, single submitter. Criteria: Invitae Variant Classification Sherloc (09022015). Collection method: clinical testing. Allele origin: germline.
Comment: This sequence change replaces isoleucine with valine at codon 239 of the UNC80 protein (p.Ile239Val). The isoleucine residue is moderately conserved and there is a small physicochemical difference between isoleucine and valine. This variant is present in population databases (rs753785496, gnomAD 0.003%). This variant has not been reported in the literature in individuals affected with UNC80-related conditions. ClinVar contains an entry for this variant (Variation ID: 1509143). An algorithm developed to predict the effect of missense changes on protein structure and function (PolyPhen-2) suggests that this variant is likely to be disruptive. In summary, the available evidence is currently insufficient to determine the role of this variant in disease. Therefore, it has been classified as a Variant of Uncertain Significance.

NM_001371986.1(UNC80):c.715A>G (p.Ile239Val)

Gene: UNC80 (unc-80 subunit of NALCN channel complex; plus strand). Cytogenetic location: 2q34.
Variant type: single nucleotide variant.
Coding change: c.715A>G on transcript NM_001371986.1 (MANE Select); coding-DNA position 715, A replaced by G.
Protein change: p.Ile239Val; replaces isoleucine 239 with valine.
Molecular consequence: missense variant.
Genome position (GRCh38, 1-based): chr2:209,786,180, A>G. VCF-style: chr2-209786180-A-G. GRCh37 (hg19) VCF-style: chr2-210650904-A-G.
Other names: c.715A>G, p.Ile239Val (NM_032504.2, NM_182587.4); short protein forms I239V.
Identifiers: ClinVar variation 1509143 (VCV001509143.4), dbSNP rs753785496, ClinGen allele CA2082814.